The following is an entry in ClinVar:

NM_013339.4(ALG6):c.1341C>T (p.Val447=)

Gene: ALG6 (ALG6 alpha-1,3-glucosyltransferase; plus strand). Cytogenetic location: 1p31.3.
Variant type: single nucleotide variant.
Coding change: c.1341C>T on transcript NM_013339.4 (MANE Select); coding-DNA position 1341, C replaced by T.
Protein change: p.Val447=; no amino-acid change (valine 447 retained).
Molecular consequence: synonymous variant.
Genome position (GRCh38, 1-based): chr1:63,436,837, C>T. VCF-style: chr1-63436837-C-T. GRCh37 (hg19) VCF-style: chr1-63902508-C-T.
Identifiers: ClinVar variation 767063 (VCV000767063.42), dbSNP rs777326636, ClinGen allele CA888433.

ClinVar aggregate classification (germline): Benign/Likely benign. Review status: criteria provided, multiple submitters, no conflicts (2 of 4 stars). 7 submissions from 7 submitters: Benign (2); Likely benign (3). 2 of the submissions do not count toward it. Last evaluated 2026-01-31.

Conditions:
ALG6-congenital disorder of glycosylation 1C (CDG1C). Also called: Congenital disorder of glycosylation, type Ic; CDG Ic; CARBOHYDRATE-DEFICIENT GLYCOPROTEIN SYNDROME, TYPE I, WITH DEFICIENT GLYCOSYLATION OF DOLICHOL-LINKED OLIGOSACCHARIDE; CARBOHYDRATE-DEFICIENT GLYCOPROTEIN SYNDROME, TYPE V; Congenital disorder of glycosylation type 1C. Identifiers: Orphanet 79320, MedGen C2930997, MONDO:0011291, OMIM 603147.
ALG6-related disorder. Also called: ALG6-related condition.

Allele frequency attached by ClinVar (database versions not stated): gnomAD 0.00001 and 0.00004; ExAC 0.00032; gnomAD exomes 0.00034.
gnomAD v4.1: 269 of 1,613,720 alleles (0.017%); highest among the groups gnomAD compares: South Asian, 0.29%; 5 homozygotes.

Submissions (7):

Labcorp Genetics (formerly Invitae), Labcorp
Classification: Benign for ALG6-congenital disorder of glycosylation 1C. Last evaluated: 2026-01-31. Review status: criteria provided, single submitter. Criteria: Invitae Variant Classification Sherloc (09022015). Collection method: clinical testing. Allele origin: germline.

Blueprint Genetics
Classification: Benign. Last evaluated: 2024-10-25. Review status: criteria provided, single submitter. Criteria: ACMG Guidelines, 2015. Collection method: clinical testing. Allele origin: germline.

CeGaT Center for Human Genetics Tuebingen
Classification: Likely benign. Last evaluated: 2023-10-01. Review status: criteria provided, single submitter. Criteria: CeGaT Center For Human Genetics Tuebingen Variant Classification Criteria Version 2. Collection method: clinical testing. Allele origin: germline. Affected: yes. Observed: 1 variant allele.
Comment: ALG6: BP4, BP7

Fulgent Genetics
Classification: Likely benign for ALG6-congenital disorder of glycosylation 1C. Last evaluated: 2022-03-30. Review status: criteria provided, single submitter. Criteria: ACMG Guidelines, 2015. Collection method: clinical testing. Allele origin: unknown.

Genetic Services Laboratory, University of Chicago
Classification: Likely benign. Last evaluated: 2019-10-29. Review status: criteria provided, single submitter. Criteria: ACMG Guidelines, 2015. Collection method: clinical testing. Allele origin: germline. Affected: no.

Natera, Inc.
Classification: Benign for Congenital disorder of glycosylation type 1c. Last evaluated: 2020-09-16. Review status: no assertion criteria provided. Collection method: clinical testing. Allele origin: germline. Not counted in ClinVar's aggregate classification.

PreventionGenetics, part of Exact Sciences
Classification: Likely benign for ALG6-related condition. Last evaluated: 2019-06-28. Review status: no assertion criteria provided. Collection method: clinical testing. Allele origin: germline. Not counted in ClinVar's aggregate classification.
Comment: This variant is classified as likely benign based on ACMG/AMP sequence variant interpretation guidelines (Richards et al. 2015 PMID: 25741868, with internal and published modifications).